The following is an entry in ClinVar:

NM_000051.4(ATM):c.1062C>T (p.His354=)

Gene: ATM (ATM serine/threonine kinase; plus strand). Cytogenetic location: 11q22.3.
Variant type: single nucleotide variant.
Coding change: c.1062C>T on transcript NM_000051.4 (MANE Select); coding-DNA position 1062, C replaced by T.
Protein change: p.His354=; no amino-acid change (histidine 354 retained).
Molecular consequence: synonymous variant.
Genome position (GRCh38, 1-based): chr11:108,247,124, C>T. VCF-style: chr11-108247124-C-T. GRCh37 (hg19) VCF-style: chr11-108117851-C-T.
Other names: c.1062C>T, p.His354= (NM_001351834.2).
Identifiers: ClinVar variation 759471 (VCV000759471.15), dbSNP rs773365379, ClinGen allele CA6264731.

ClinVar aggregate classification (germline): Benign/Likely benign. Review status: criteria provided, multiple submitters, no conflicts (2 of 4 stars). 4 submissions from 4 submitters: Benign (1); Likely benign (3). Last evaluated 2025-12-27.

Conditions:
Hereditary cancer-predisposing syndrome. Also called: Tumor predisposition; Hereditary Cancer Syndrome; Neoplastic Syndromes, Hereditary; Hereditary neoplastic syndrome. Identifiers: Orphanet 140162, MedGen C0027672, MeSH D009386, MONDO:0015356.
Familial cancer of breast. Also called: Hereditary breast cancer; BREAST CANCER, FAMILIAL; hereditary breast carcinoma. Identifiers: Orphanet 227535, MedGen C0346153, MONDO:0016419, OMIM 114480. Disease mechanism: loss of function.
Ataxia-telangiectasia syndrome (AT). Also called: Ataxia telangiectasia (A-T); Cerebello-oculocutaneous telangiectasia; Immunodeficiency with ataxia telangiectasia; LOUIS-BAR SYNDROME; ATAXIA-TELANGIECTASIA, FRESNO VARIANT; Ataxia-telangiectasia, complementation group D. Identifiers: Orphanet 100, MedGen C0004135, MONDO:0008840, OMIM 208900.

Allele frequency attached by ClinVar (database versions not stated): gnomAD exomes below 0.00001; TOPMed below 0.00001; ExAC 0.00001.

Submissions (4):

Labcorp Genetics (formerly Invitae), Labcorp
Classification: Likely benign for Ataxia-telangiectasia syndrome. Last evaluated: 2025-12-27. Review status: criteria provided, single submitter. Criteria: Invitae Variant Classification Sherloc (09022015). Collection method: clinical testing. Allele origin: germline.

Ambry Genetics
Classification: Likely benign for Hereditary cancer-predisposing syndrome. Last evaluated: 2025-04-12. Review status: criteria provided, single submitter. Criteria: Ambry Variant Classification Scheme 2023. Collection method: clinical testing. Allele origin: germline.

Myriad Genetics, Inc.
Classification: Benign for Familial cancer of breast. Last evaluated: 2024-04-24. Review status: criteria provided, single submitter. Criteria: Myriad Autosomal Dominant, Autosomal Recessive and X-Linked Classification Criteria (2023). Collection method: clinical testing. Allele origin: unknown.
Comment: This variant is considered benign. This variant is a silent/synonymous amino acid change and it is not expected to impact splicing.

Color Diagnostics, LLC DBA Color Health
Classification: Likely benign for Hereditary cancer-predisposing syndrome. Last evaluated: 2021-03-16. Review status: criteria provided, single submitter. Criteria: ACMG Guidelines, 2015. Collection method: clinical testing. Allele origin: germline.